The following is an entry in ClinVar:

ClinVar aggregate classification (germline): Benign (1 of 4 stars; one submission).

Submission:

Unidad de Genómica Garrahan, Hospital de Pediatría Garrahan
Classification: Benign. Last evaluated: 2023-11-12. Review status: criteria provided, single submitter. Criteria: ACMG Guidelines, 2015. Collection method: clinical testing. Allele origin: germline. Affected: no. Observed: 55 variant alleles.
Comment: This variant is classified as Benign based on local population frequency. This variant was detected in 57% of patients studied by a panel of primary immunodeficiencies. Number of patients: 55. Only high quality variants are reported.

NM_002661.5(PLCG2):c.565-82delinsTA

Gene: PLCG2 (phospholipase C gamma 2; plus strand). Cytogenetic location: 16q23.3.
Variant type: Indel.
Coding change: c.565-82delinsTA on transcript NM_002661.5 (MANE Select); 82 bases into the intron before coding-DNA position 565, C replaced by TA.
Molecular consequence: intron variant.
Genome position (GRCh38, 1-based): chr16:81,870,770, C replaced by TA. VCF-style: chr16-81870770-C-TA. GRCh37 (hg19) VCF-style: chr16-81904375-C-TA.
Identifiers: ClinVar variation 2628146 (VCV002628146.2), dbSNP rs367901037, ClinGen allele CA285188727.